The following is an entry in ClinVar:

ClinVar aggregate classification (germline): Likely pathogenic (1 of 4 stars; one submission).

Conditions:
Cardiovascular phenotype. Identifiers: MedGen CN230736.
Hereditary cancer-predisposing syndrome. Also called: Neoplastic Syndromes, Hereditary; Tumor predisposition; Hereditary Cancer Syndrome; Hereditary neoplastic syndrome. Identifiers: Orphanet 140162, MedGen C0027672, MeSH D009386, MONDO:0015356.

Submission:

Ambry Genetics
Classification: Likely pathogenic for Cardiovascular phenotype; Hereditary cancer-predisposing syndrome. Last evaluated: 2026-04-27. Review status: criteria provided, single submitter. Criteria: Ambry Variant Classification Scheme 2023. Collection method: clinical testing. Allele origin: germline.
Comment: The c.2326-2A>C intronic variant results from an A to C substitution two nucleotides upstream from coding exon 20 in the LZTR1 gene. Variants that disrupt the canonical splice site are expected to result in aberrant splicing. In silico splice site analysis predicts that this alteration will weaken the native splice acceptor site. A resulting transcript is predicted to be in-frame and is not expected to trigger nonsense-mediated mRNAdecay; although, direct evidence is unavailable. However, the region predicted to be impacted is critical for protein function (Ambry internal data). This variant is considered to be rare based on population cohorts in the Genome Aggregation Database (gnomAD). This nucleotide position is highly conserved in available vertebrate species. Based on the majority of available evidence to date, this variant is likely to be pathogenic.

NM_006767.4(LZTR1):c.2326-2A>C

Gene: LZTR1 (leucine zipper like post translational regulator 1; plus strand). Cytogenetic location: 22q11.21.
Variant type: single nucleotide variant.
Coding change: c.2326-2A>C on transcript NM_006767.4 (MANE Select); the canonical splice acceptor site of the intron before coding-DNA position 2326, A replaced by C.
Molecular consequence: splice acceptor variant.
Genome position (GRCh38, 1-based): chr22:20,996,884, A>C. VCF-style: chr22-20996884-A-C. GRCh37 (hg19) VCF-style: chr22-21351173-A-C.
Identifiers: ClinVar variation 4859393 (VCV004859393.1).